The following is an entry in ClinVar:

NM_004371.4(COPA):c.229G>A (p.Val77Ile)

Gene: COPA (coat protein complex I subunit alpha; minus strand). Cytogenetic location: 1q23.2.
Variant type: single nucleotide variant.
Coding change: c.229G>A on transcript NM_004371.4 (MANE Select); coding-DNA position 229, G replaced by A.
Protein change: p.Val77Ile; replaces valine 77 with isoleucine.
Molecular consequence: missense variant.
Genome position (GRCh38, 1-based): chr1:160,335,322, C>T on the plus strand (G>A on the coding strand, the complement: COPA is on the minus strand). VCF-style: chr1-160335322-C-T. GRCh37 (hg19) VCF-style: chr1-160305112-C-T.
Other names: c.229G>A, p.Val77Ile (NM_001098398.2); short protein forms V77I.
Identifiers: ClinVar variation 4703026 (VCV004703026.1).

ClinVar aggregate classification (germline): Uncertain significance (1 of 4 stars; one submission).

Conditions:
Autoimmune interstitial lung disease-arthritis syndrome. Also called: Autoinflammation and autoimmunity, systemic, with immune dysregulation. Identifiers: Orphanet 444092, MedGen C5975714, MONDO:0014629.

gnomAD v4.1: 3 of 1,607,688 alleles (0.00019%); highest among the groups gnomAD compares: Non-Finnish European, 0.00017%; no homozygotes.

Submission:

Labcorp Genetics (formerly Invitae), Labcorp
Classification: Uncertain significance for Autoimmune interstitial lung disease-arthritis syndrome. Last evaluated: 2025-05-15. Review status: criteria provided, single submitter. Criteria: Invitae Variant Classification Sherloc (09022015). Collection method: clinical testing. Allele origin: germline.
Comment: This sequence change replaces valine, which is neutral and non-polar, with isoleucine, which is neutral and non-polar, at codon 77 of the COPA protein (p.Val77Ile). This variant is not present in population databases (gnomAD no frequency). This variant has not been reported in the literature in individuals affected with COPA-related conditions. An algorithm developed to predict the effect of missense changes on protein structure and function (PolyPhen-2) suggests that this variant is likely to be tolerated. In summary, the available evidence is currently insufficient to determine the role of this variant in disease. Therefore, it has been classified as a Variant of Uncertain Significance.